The following is an entry in ClinVar:

ClinVar aggregate classification (germline): Uncertain significance (1 of 4 stars; one submission).

Allele frequency attached by ClinVar (database versions not stated): gnomAD exomes below 0.00001; TOPMed below 0.00001.
gnomAD v4.1: 2 of 1,548,092 alleles (0.00013%); highest among the groups gnomAD compares: Non-Finnish European, 0.00018%; no homozygotes.

Submission:

GeneDx
Classification: Uncertain significance. Last evaluated: 2020-01-09. Review status: criteria provided, single submitter. Criteria: GeneDx Variant Classification Process June 2021. Collection method: clinical testing. Allele origin: germline. Affected: yes.
Comment: Not observed in large population cohorts (Lek et al., 2016); In silico analysis, which includes protein predictors and evolutionary conservation, supports a deleterious effect; Has not been previously published as pathogenic or benign to our knowledge

NM_000182.5(HADHA):c.1892A>T (p.Lys631Ile)

Genes: GAREM2 (GRB2 associated regulator of MAPK1 subtype 2; plus strand), HADHA (hydroxyacyl-CoA dehydrogenase trifunctional multienzyme complex subunit alpha; minus strand). Cytogenetic location: 2p23.3.
Variant type: single nucleotide variant.
Coding change: c.1892A>T on transcript NM_000182.5 (MANE Select); coding-DNA position 1892, A replaced by T.
Protein change: p.Lys631Ile; replaces lysine 631 with isoleucine.
Molecular consequence: missense variant.
Genome position (GRCh38, 1-based): chr2:26,192,418, T>A on the plus strand (A>T on the coding strand, the complement: HADHA is on the minus strand). VCF-style: chr2-26192418-T-A. GRCh37 (hg19) VCF-style: chr2-26415287-T-A.
Other names: short protein forms K631I.
Identifiers: ClinVar variation 1193984 (VCV001193984.2), dbSNP rs1669535287, ClinGen allele CA346115633.